The following is an entry in ClinVar:

ClinVar aggregate classification (germline): Uncertain significance (1 of 4 stars; one submission).

Conditions:
Developmental delay with or without intellectual impairment or behavioral abnormalities. Identifiers: MedGen C5562004, MONDO:0859199, OMIM 619575.

Submission:

Victorian Clinical Genetics Services, Murdoch Childrens Research Institute
Classification: Uncertain significance for Developmental delay with or without intellectual impairment or behavioral abnormalities. Last evaluated: 2026-07-08. Review status: criteria provided, single submitter. Criteria: ACMG Guidelines, 2015. Collection method: clinical testing. Allele origin: germline. Affected: yes.
Comment: This variant is classified as VUS-3A. Evidence in support of pathogenic classification: This variant is absent from gnomAD v4; Missense variant in a region that is highly intolerant to missense variation (high constraint region in DECIPHER). Additional information: This variant is predicted to result in a missense amino acid change from Gln to Pro; This variant is heterozygous; This gene is associated with autosomal dominant disease; Alternative amino acid change(s) at the same position are present in gnomAD (highest allele count: v4: 1 heterozygote(s), 0 homozygote(s)); This variant has no previous evidence of pathogenicity; No published evidence of segregation with disease has been identified for this variant; No published functional evidence has been identified for this variant; No comparable variants have previous evidence for pathogenicity; Missense variant with inconclusive in silico prediction(s) and/or uninformative conservation; Loss of function is a known mechanism of disease in this gene and is associated with developmental delay with or without intellectual impairment or behavioural abnormalities (MIM#619575); Variants in this gene are known to have variable expressivity. There have been reports of affected individuals inheriting variants from mildly affected parents (OMIM); Inheritance information for this variant is not currently available in this individual.

NM_020791.4(TAOK1):c.602A>C (p.Gln201Pro)

Gene: TAOK1 (TAO kinase 1; plus strand). Cytogenetic location: 17q11.2.
Variant type: single nucleotide variant.
Coding change: c.602A>C on transcript NM_020791.4 (MANE Select); coding-DNA position 602, A replaced by C.
Protein change: p.Gln201Pro; replaces glutamine 201 with proline.
Molecular consequence: missense variant.
Genome position (GRCh38, 1-based): chr17:29,482,235, A>C. VCF-style: chr17-29482235-A-C. GRCh37 (hg19) VCF-style: chr17-27809253-A-C.
Other names: c.602A>C, p.Gln201Pro (NM_025142.1); short protein forms Q201P.
Identifiers: ClinVar variation 4879645 (VCV004879645.1).